The following is an entry in ClinVar:

NM_014915.3(ANKRD26):c.1246A>G (p.Ile416Val)

Gene: ANKRD26 (ankyrin repeat domain containing 26; minus strand). Cytogenetic location: 10p12.1.
Variant type: single nucleotide variant.
Coding change: c.1246A>G on transcript NM_014915.3 (MANE Select); coding-DNA position 1246, A replaced by G.
Protein change: p.Ile416Val; replaces isoleucine 416 with valine.
Molecular consequence: missense variant.
Genome position (GRCh38, 1-based): chr10:27,066,510, T>C on the plus strand (A>G on the coding strand, the complement: ANKRD26 is on the minus strand). VCF-style: chr10-27066510-T-C. GRCh37 (hg19) VCF-style: chr10-27355439-T-C.
Other names: c.1246A>G, p.Ile416Val (NM_001256053.2); short protein forms I416V.
Identifiers: ClinVar variation 4103180 (VCV004103180.1).

ClinVar aggregate classification (germline): Uncertain significance (1 of 4 stars; one submission).

Conditions:
Inborn genetic diseases. Identifiers: MedGen C0950123, MeSH D030342.

gnomAD v4.1: 7 of 1,600,608 alleles (0.00044%); highest among the groups gnomAD compares: Non-Finnish European, 0.0006%; no homozygotes.

Submission:

Ambry Genetics
Classification: Uncertain significance for Inborn genetic diseases. Last evaluated: 2025-07-01. Review status: criteria provided, single submitter. Criteria: Ambry Variant Classification Scheme 2023. Collection method: clinical testing. Allele origin: germline.
Comment: The p.I416V variant (also known as c.1246A>G), located in coding exon 11 of the ANKRD26 gene, results from an A to G substitution at nucleotide position 1246. The isoleucine at codon 416 is replaced by valine, an amino acid with highly similar properties. This amino acid position is conserved. In addition, this alteration is predicted to be tolerated by in silico analysis. Based on the available evidence, the clinical significance of this variant remains unclear.